The following is an entry in ClinVar:

NM_004990.4(MARS1):c.770+18_770+19del

Gene: MARS1 (methionyl-tRNA synthetase 1; plus strand). Cytogenetic location: 12q13.3.
Variant type: Deletion.
Coding change: c.770+18_770+19del on transcript NM_004990.4 (MANE Select); bases 18 to 19 of the intron after coding-DNA position 770, 2 bases deleted (AT; older notation c.770+18_770+19delAT).
Molecular consequence: intron variant.
Genome position (GRCh38, 1-based): chr12:57,490,662-57,490,663, AT deleted. VCF-style (leftmost placement, unchanged base first): chr12-57490661-CAT-C. GRCh37 (hg19) VCF-style: chr12-57884444-CAT-C.
Identifiers: ClinVar variation 2123921 (VCV002123921.4), dbSNP rs2540262574, ClinGen allele CA2580086540.
Genomic context (GRCh38, chr12:57,490,661, plus strand): 5'-GGCCTAGAAAGTTTGCCCCCGCTGCGGCCCCAGCAGAATCCAGTGTGAGTAGACATGGCA[CAT>C]GTGAGTGGGGCTTGATTTTGTAGTGGAAATTGTTGATAGAGCCAGAACCTGCCTGCTAGG-3'

ClinVar aggregate classification (germline): Uncertain significance (1 of 4 stars; one submission).

Conditions:
Charcot-Marie-Tooth disease axonal type 2U. Also called: CHARCOT-MARIE-TOOTH NEUROPATHY, TYPE 2U; CHARCOT-MARIE-TOOTH DISEASE, AXONAL, AUTOSOMAL DOMINANT, TYPE 2U. Identifiers: Orphanet 397735, MedGen C4084821, MONDO:0014566, OMIM 616280.
Severe early-onset pulmonary alveolar proteinosis due to MARS deficiency. Also called: PULMONARY ALVEOLAR PROTEINOSIS, REUNION ISLAND; Interstitial lung and liver disease. Identifiers: Orphanet 440427, MedGen C4225400, MONDO:0014206, OMIM 615486.

Submission:

Labcorp Genetics (formerly Invitae), Labcorp
Classification: Uncertain significance for Charcot-Marie-Tooth disease axonal type 2U; Severe early-onset pulmonary alveolar proteinosis due to MARS deficiency. Last evaluated: 2022-04-09. Review status: criteria provided, single submitter. Criteria: Invitae Variant Classification Sherloc (09022015). Collection method: clinical testing. Allele origin: germline.
Comment: This sequence change falls in intron 7 of the MARS gene. It does not directly change the encoded amino acid sequence of the MARS protein. This variant is not present in population databases (gnomAD no frequency). This variant has not been reported in the literature in individuals affected with MARS-related conditions. Algorithms developed to predict the effect of sequence changes on RNA splicing suggest that this variant may disrupt the consensus splice site. In summary, the available evidence is currently insufficient to determine the role of this variant in disease. Therefore, it has been classified as a Variant of Uncertain Significance.